The following is an entry in ClinVar:

NM_004370.6(COL12A1):c.3713T>C (p.Ile1238Thr)

Gene: COL12A1 (collagen type XII alpha 1 chain; minus strand). Cytogenetic location: 6q13.
Variant type: single nucleotide variant.
Coding change: c.3713T>C on transcript NM_004370.6 (MANE Select); coding-DNA position 3713, T replaced by C.
Protein change: p.Ile1238Thr; replaces isoleucine 1238 with threonine.
Molecular consequence: missense variant.
Genome position (GRCh38, 1-based): chr6:75,152,335, A>G on the plus strand (T>C on the coding strand, the complement: COL12A1 is on the minus strand). VCF-style: chr6-75152335-A-G. GRCh37 (hg19) VCF-style: chr6-75862051-A-G.
Other names: c.221T>C, p.Ile74Thr (NM_080645.3); short protein forms I1238T, I74T.
Identifiers: ClinVar variation 1469622 (VCV001469622.8), dbSNP rs2149417585, ClinGen allele CA364749949.

ClinVar aggregate classification (germline): Uncertain significance (1 of 4 stars; one submission).

Conditions:
Bethlem myopathy 2 (BTHLM2). Identifiers: Orphanet 536516, Orphanet 610, MedGen C4225313, MONDO:0034022, OMIM 616471.
Ullrich congenital muscular dystrophy 2 (UCMD2). Identifiers: Orphanet 75840, MedGen C4225314, MONDO:0014654, OMIM 616470.

gnomAD v4.1: 1 of 1,613,576 alleles (0.000062%); highest among the groups gnomAD compares: Non-Finnish European, 0.000085%; no homozygotes.

Submission:

Labcorp Genetics (formerly Invitae), Labcorp
Classification: Uncertain significance for Bethlem myopathy 2; Ullrich congenital muscular dystrophy 2. Last evaluated: 2023-10-13. Review status: criteria provided, single submitter. Criteria: Invitae Variant Classification Sherloc (09022015). Collection method: clinical testing. Allele origin: germline.
Comment: This sequence change replaces isoleucine, which is neutral and non-polar, with threonine, which is neutral and polar, at codon 1238 of the COL12A1 protein (p.Ile1238Thr). This variant is not present in population databases (gnomAD no frequency). This variant has not been reported in the literature in individuals affected with COL12A1-related conditions. ClinVar contains an entry for this variant (Variation ID: 1469622). An algorithm developed to predict the effect of missense changes on protein structure and function (PolyPhen-2) suggests that this variant is likely to be tolerated. In summary, the available evidence is currently insufficient to determine the role of this variant in disease. Therefore, it has been classified as a Variant of Uncertain Significance.